The following is an entry in ClinVar:

NM_012401.4(PLXNB2):c.4789G>A (p.Glu1597Lys)

Gene: PLXNB2 (plexin B2; minus strand). Cytogenetic location: 22q13.33.
Variant type: single nucleotide variant.
Coding change: c.4789G>A on transcript NM_012401.4 (MANE Select); coding-DNA position 4789, G replaced by A.
Protein change: p.Glu1597Lys; replaces glutamic acid 1597 with lysine.
Molecular consequence: missense variant.
Genome position (GRCh38, 1-based): chr22:50,278,215, C>T on the plus strand (G>A on the coding strand, the complement: PLXNB2 is on the minus strand). VCF-style: chr22-50278215-C-T. GRCh37 (hg19) VCF-style: chr22-50716644-C-T.
Other names: c.5026G>A, p.Glu1676Lys (NM_001376864.1); c.4858G>A, p.Glu1620Lys (NM_001376865.1); c.4789G>A, p.Glu1597Lys (NM_001376866.1, NM_001376867.1, NM_001376868.1 and 14 more transcripts); c.4765G>A, p.Glu1589Lys (NM_001376883.1); c.4711G>A, p.Glu1571Lys (NM_001376884.1, NM_001376885.1); c.4696G>A, p.Glu1566Lys (NM_001376886.1); short protein forms E1566K, E1571K, E1589K, E1597K, E1620K, E1676K.
Identifiers: ClinVar variation 4278613 (VCV004278613.2).
Genomic context (GRCh38, chr22:50,278,215, plus strand): 5'-TGGCCTTCGTCCGCTCCTTCTCTTTCACGCTGCCTCTCTTGGACTTGCCCTCGTCCACCT[C>T]GTCGGTCGGCCGCACCAGGTGCCACACCCGGTTCTCCTCCTCCAGGAGGGCATGGCCTGT-3'
Protein context (NP_036533.2, residues 1587-1607): RVWHLVRPTD[Glu1597Lys]VDEGKSKRGS

ClinVar aggregate classification (germline): Uncertain significance (1 of 4 stars; one submission).

gnomAD v4.1: 3 of 1,609,704 alleles (0.00019%); highest among the groups gnomAD compares: East Asian, 0.0022%; no homozygotes.

Submission:

GeneDx
Classification: Uncertain significance. Last evaluated: 2026-09-11. Review status: criteria provided, single submitter. Criteria: GeneDx Variant Classification Process June 2021. Collection method: clinical testing. Allele origin: germline.
Comment: Not observed at significant frequency in large population cohorts (gnomAD); In silico analysis supports that this missense variant has a deleterious effect on protein structure/function; Has not been previously published as pathogenic or benign to our knowledge